The following is an entry in ClinVar:

ClinVar aggregate classification (germline): Uncertain significance (1 of 4 stars; one submission).

Conditions:
Brown-Vialetto-van Laere syndrome 1. Also called: BROWN-VIALETTO-VAN LAERE SYNDROME 1, MILD; BULBAR PALSY, PROGRESSIVE, WITH SENSORINEURAL DEAFNESS; PONTOBULBAR PALSY WITH DEAFNESS. Identifiers: Orphanet 572550, Orphanet 97229, MedGen C0796274, MONDO:0024537, OMIM 211530.

Submission:

Labcorp Genetics (formerly Invitae), Labcorp
Classification: Uncertain significance for Brown-Vialetto-van Laere syndrome 1. Last evaluated: 2024-10-26. Review status: criteria provided, single submitter. Criteria: Invitae Variant Classification Sherloc (09022015). Collection method: clinical testing. Allele origin: germline.
Comment: This sequence change results in a frameshift in the SLC52A3 gene (p.Ala434Argfs*71). While this is not anticipated to result in nonsense mediated decay, it is expected to disrupt the last 36 amino acid(s) of the SLC52A3 protein and extend the protein by 34 additional amino acid residues. This variant is not present in population databases (gnomAD no frequency). This variant has not been reported in the literature in individuals affected with SLC52A3-related conditions. ClinVar contains an entry for this variant (Variation ID: 2022959). Experimental studies and prediction algorithms are not available or were not evaluated, and the functional significance of this variant is currently unknown. This variant disrupts a region of the SLC52A3 protein in which other variant(s) (p.Phe457Leu) have been observed in individuals with SLC52A3-related conditions (PMID: 20206331, 22740598). This suggests that this is a clinically significant region of the protein, and that variants that disrupt it are likely to be disease-causing. In summary, the available evidence is currently insufficient to determine the role of this variant in disease. Therefore, it has been classified as a Variant of Uncertain Significance.

Literature cited by the submitters: PubMed 20206331; PubMed 22740598.

NM_033409.4(SLC52A3):c.1300del (p.Ala434fs)

Gene: SLC52A3 (solute carrier family 52 member 3; minus strand). Cytogenetic location: 20p13.
Variant type: Deletion.
Coding change: c.1300del on transcript NM_033409.4 (MANE Select); coding-DNA position 1300, one base deleted (G; older notation c.1300delG).
Protein change: p.Ala434fs; shifts the reading frame from alanine 434.
Molecular consequence: frameshift variant.
Genome position (GRCh38, 1-based): chr20:761,136, C deleted on the plus strand (G on the coding strand, the reverse complement: SLC52A3 is on the minus strand); the first of 4 consecutive C bases (chr20:761,136-761,139); deleting any one gives the same sequence. VCF-style (leftmost placement, unchanged base first): chr20-761135-GC-G. GRCh37 (hg19) VCF-style: chr20-741779-GC-G.
Other names: c.1300del, p.Ala434fs (NM_001370085.1, NM_001370086.1); short protein forms A434fs.
Identifiers: ClinVar variation 2022959 (VCV002022959.4), dbSNP rs2514843420, ClinGen allele CA2580097950.